The following is an entry in ClinVar:

NM_001814.6(CTSC):c.319-4_319-3delinsAA

Gene: CTSC (cathepsin C; minus strand). Cytogenetic location: 11q14.2.
Variant type: Indel.
Coding change: c.319-4_319-3delinsAA on transcript NM_001814.6 (MANE Select); 4 bases into the intron before coding-DNA position 319 through 3 bases into the intron before coding-DNA position 319, GC replaced by AA.
Molecular consequence: intron variant.
Genome position (GRCh38, 1-based): chr11:88,312,557-88,312,558, GC replaced by TT on the plus strand (GC replaced by AA on the coding strand, the reverse complement: CTSC is on the minus strand). VCF-style: chr11-88312557-GC-TT. GRCh37 (hg19) VCF-style: chr11-88045725-GC-TT.
Identifiers: ClinVar variation 4793489 (VCV004793489.1).

ClinVar aggregate classification (germline): Uncertain significance (1 of 4 stars; one submission).

Conditions:
Periodontitis, aggressive. Identifiers: MedGen C0031106, MONDO:0980757.
Haim-Munk syndrome (HMS). Also called: COCHIN JEWISH DISORDER; KERATOSIS PALMOPLANTARIS WITH PERIODONTOPATHIA AND ONYCHOGRYPOSIS. Identifiers: Orphanet 2342, MedGen C1855627, MONDO:0009491, OMIM 245010.
Papillon-Lefèvre syndrome (PALS). Also called: Papillon-Lefevre Disease; KERATOSIS PALMOPLANTARIS WITH PERIODONTOPATHIA. Identifiers: Orphanet 678, MedGen C0030360, MONDO:0009490, OMIM 245000.

Submission:

Labcorp Genetics (formerly Invitae), Labcorp
Classification: Uncertain significance for Haim-Munk syndrome; Periodontitis, aggressive; Papillon-Lefèvre syndrome. Last evaluated: 2025-08-12. Review status: criteria provided, single submitter. Criteria: Invitae Variant Classification Sherloc (09022015). Collection method: clinical testing. Allele origin: germline.
Comment: This sequence change falls in intron 2 of the CTSC gene. It does not directly change the encoded amino acid sequence of the CTSC protein. It affects a nucleotide within the consensus splice site. Information on the frequency of this variant in the gnomAD database is not available, as this variant may be reported differently in the database. This variant has not been reported in the literature in individuals affected with CTSC-related conditions. Variants that disrupt the consensus splice site are a relatively common cause of aberrant splicing (PMID: 17576681, 9536098). Experimental studies and prediction algorithms are not available or were not evaluated, and the effect of this variant on mRNA splicing is currently unknown. In summary, the available evidence is currently insufficient to determine the role of this variant in disease. Therefore, it has been classified as a Variant of Uncertain Significance.

Literature cited by the submitters: PubMed 17576681; PubMed 9536098.